The following is an entry in ClinVar:

ClinVar aggregate classification (germline): Conflicting classifications of pathogenicity. Review status: criteria provided, conflicting classifications (1 of 4 stars). 16 submissions from 15 submitters: Uncertain significance (1); Benign (3); Likely benign (9). 3 of the submissions do not count toward it. Last evaluated 2026-09-01.

Conditions:
Cardiovascular phenotype. Identifiers: MedGen CN230736.
Familial hypobetalipoproteinemia 1. Also called: Hypobetalipoproteinemia, normotriglyceridemic; Acanthocytosis with hypobetalipoproteinemia; APOB-Related Familial Hypobetalipoproteinemia. Identifiers: MedGen C4551990, MONDO:0014252, OMIM 615558.
Hypercholesterolemia, autosomal dominant, type B (FHCL2). Also called: APOB-Related Familial Hypercholesterolemia, Autosomal Dominant; Familial hypercholesterolemia 2; APOLIPOPROTEIN B-100, FAMILIAL DEFECTIVE; APOLIPOPROTEIN B-100, FAMILIAL LIGAND-DEFECTIVE; Familial Hypercholesterolemia Type B; Hyperlipoproteinemia Type IIb. Identifiers: MedGen C1704417, MONDO:0007751, OMIM 144010.
Familial hypercholesterolemia. Also called: Familial hypercholesterolaemia; Familial hypercholesterolemias. Identifiers: MedGen C0020445, MONDO:0005439.
Hypercholesterolemia, familial, 1. Also called: LDL RECEPTOR DISORDER; Hyperlipoproteinemia Type IIa; HYPER-LOW-DENSITY-LIPOPROTEINEMIA; HYPERCHOLESTEROLEMIC XANTHOMATOSIS, FAMILIAL; Fredrickson type IIa hyperlipoproteinemia; Hyperlipoproteinemia type 2. Identifiers: Orphanet 391665, MedGen C0745103, MONDO:0007750, OMIM 143890.

Allele frequency attached by ClinVar (database versions not stated): TOPMed 0.00170; gnomAD exomes 0.00192; ExAC 0.00195; ESP Exome Variant Server 0.00223; 1000 Genomes Project 30x 0.00047; 1000 Genomes Project 0.00060; gnomAD 0.00166 and 0.00168.
gnomAD v4.1: 4,774 of 1,613,982 alleles (0.3%); highest among the groups gnomAD compares: Non-Finnish European, 0.37%; 11 homozygotes.

Submissions (16):

CeGaT Center for Human Genetics Tuebingen
Classification: Likely benign. Last evaluated: 2026-09-01. Review status: criteria provided, single submitter. Criteria: CeGaT Center For Human Genetics Tuebingen Variant Classification Criteria Version 2. Collection method: clinical testing. Allele origin: germline. Affected: yes. Observed: 10 variant alleles.
Comment: APOB: BP4, BP7

Labcorp Genetics (formerly Invitae), Labcorp
Classification: Benign for Familial hypobetalipoproteinemia 1; Hypercholesterolemia, autosomal dominant, type B. Last evaluated: 2026-01-28. Review status: criteria provided, single submitter. Criteria: Invitae Variant Classification Sherloc (09022015). Collection method: clinical testing. Allele origin: germline.

Mayo Clinic Laboratories, Mayo Clinic
Classification: Likely benign. Last evaluated: 2025-12-15. Review status: criteria provided, single submitter. Criteria: ACMG Guidelines, 2015. Collection method: clinical testing. Allele origin: germline. Observed: 6 variant alleles.
Comment: BS1, BP4, BP7

Quest Diagnostics Nichols Institute San Juan Capistrano
Classification: Likely benign. Last evaluated: 2025-09-29. Review status: criteria provided, single submitter. Criteria: Quest Diagnostics criteria. Collection method: clinical testing. Allele origin: unknown.

Molecular Diagnostic Laboratory for Inherited Cardiovascular Disease, Montreal Heart Institute
Classification: Likely benign. Last evaluated: 2025-04-09. Review status: criteria provided, single submitter. Criteria: ACMG Guidelines, 2015. Collection method: clinical testing. Allele origin: germline. Affected: no.

Blueprint Genetics
Classification: Likely benign. Last evaluated: 2024-11-12. Review status: criteria provided, single submitter. Criteria: ACMG Guidelines, 2015. Collection method: clinical testing. Allele origin: germline.

ARUP Laboratories, Molecular Genetics and Genomics, ARUP Laboratories
Classification: Benign. Last evaluated: 2024-05-10. Review status: criteria provided, single submitter. Criteria: ARUP Molecular Germline Variant Investigation Process 2024. Collection method: clinical testing. Allele origin: germline.

GENinCode PLC
Classification: Likely benign for Familial hypercholesterolemia. Last evaluated: 2023-07-31. Review status: criteria provided, single submitter. Criteria: ACMG Guidelines, 2015. Collection method: clinical testing. Allele origin: germline.
Comment: This is a synonymous (silent) variant that is not predicted by SpliceAI to impact splicing. In addition, it occurs at a nucleotide that is not conserved and has a PopMax FAF which is greater than expected for this disorder. Therefore this variant has been classified as Likely Benign (BS1, BP4, BP7).

GeneDx
Classification: Likely benign. Last evaluated: 2020-11-10. Review status: criteria provided, single submitter. Criteria: GeneDx Variant Classification Process June 2021. Collection method: clinical testing. Allele origin: germline. Affected: yes.

Illumina Laboratory Services, Illumina
Classification: Uncertain significance for Familial hypobetalipoproteinemia 1. Last evaluated: 2018-01-12. Review status: criteria provided, single submitter. Criteria: ICSL Variant Classification Criteria 13 December 2019. Collection method: clinical testing. Allele origin: germline.

Illumina Laboratory Services, Illumina
Classification: Likely benign for Hypercholesterolemia, autosomal dominant, type B. Last evaluated: 2018-01-12. Review status: criteria provided, single submitter. Criteria: ICSL Variant Classification Criteria 13 December 2019. Collection method: clinical testing. Allele origin: germline.
Comment: This variant was observed in the ICSL laboratory as part of a predisposition screen in an ostensibly healthy population. It had not been previously curated by ICSL or reported in the Human Gene Mutation Database (HGMD: prior to June 1st, 2018), and was therefore a candidate for classification through an automated scoring system. Utilizing variant allele frequency, disease prevalence and penetrance estimates, and inheritance mode, an automated score was calculated to assess if this variant is too frequent to cause the disease. Based on the score and internal cut-off values, a variant classified as likely benign is not then subjected to further curation. The score for this variant resulted in a classification of likely benign for this disease.

Robarts Research Institute, Western University
Classification: Benign for Hypercholesterolemia, familial, 1. Last evaluated: 2018-01-02. Review status: criteria provided, single submitter. Criteria: ACMG Guidelines, 2015. Collection method: clinical testing. Allele origin: germline. Inheritance: Autosomal dominant inheritance. Affected: yes.

Ambry Genetics
Classification: Likely benign for Cardiovascular phenotype. Last evaluated: 2016-05-13. Review status: criteria provided, single submitter. Criteria: Ambry Variant Classification Scheme 2023. Collection method: clinical testing. Allele origin: germline.

Clinical Genetics DNA and cytogenetics Diagnostics Lab, Erasmus MC, Erasmus Medical Center
Classification: Likely benign. Review status: no assertion criteria provided. Collection method: clinical testing. Allele origin: germline. Affected: yes. Study: VKGL Data-share Consensus. Not counted in ClinVar's aggregate classification.

Clinical Genetics, Academic Medical Center
Classification: Benign. Review status: no assertion criteria provided. Collection method: clinical testing. Allele origin: germline. Affected: yes. Study: VKGL Data-share Consensus. Not counted in ClinVar's aggregate classification.

Genome Diagnostics Laboratory, University Medical Center Utrecht
Classification: Likely benign. Review status: no assertion criteria provided. Collection method: clinical testing. Allele origin: germline. Affected: yes. Study: VKGL Data-share Consensus. Not counted in ClinVar's aggregate classification.

NM_000384.3(APOB):c.9105T>C (p.Asn3035=)

Gene: APOB (apolipoprotein B; minus strand). Cytogenetic location: 2p24.1.
Variant type: single nucleotide variant.
Coding change: c.9105T>C on transcript NM_000384.3 (MANE Select); coding-DNA position 9105, T replaced by C.
Protein change: p.Asn3035=; no amino-acid change (asparagine 3035 retained).
Molecular consequence: synonymous variant.
Genome position (GRCh38, 1-based): chr2:21,007,763, A>G on the plus strand (T>C on the coding strand, the complement: APOB is on the minus strand). VCF-style: chr2-21007763-A-G. GRCh37 (hg19) VCF-style: chr2-21230635-A-G.
Other names: p.Asn3035=.
Identifiers: ClinVar variation 237752 (VCV000237752.72), dbSNP rs147510760, ClinGen allele CA066292.